The following is an entry in ClinVar:

NM_003737.4(DCHS1):c.7777C>G (p.Leu2593Val)

Gene: DCHS1 (dachsous cadherin-related 1; minus strand). Cytogenetic location: 11p15.4.
Variant type: single nucleotide variant.
Coding change: c.7777C>G on transcript NM_003737.4 (MANE Select); coding-DNA position 7777, C replaced by G.
Protein change: p.Leu2593Val; replaces leucine 2593 with valine.
Molecular consequence: missense variant.
Genome position (GRCh38, 1-based): chr11:6,623,899, G>C on the plus strand (C>G on the coding strand, the complement: DCHS1 is on the minus strand). VCF-style: chr11-6623899-G-C. GRCh37 (hg19) VCF-style: chr11-6645130-G-C.
Other names: short protein forms L2593V.
Identifiers: ClinVar variation 2069640 (VCV002069640.4), dbSNP rs904009344, ClinGen allele CA379482389.
Genomic context (GRCh38, chr11:6,623,899, plus strand): 5'-CAGGTACTGTCACACGGTAGGATGCTCGGGTAAAGACAGGTGGGTTGTCATTGACATCTA[G>C]TACAGTGACAGTGACTGGCACGACTGAGCTTTGGGGTGGCTGCCCACGGTCAGCTGCAGC-3'
Protein context (NP_003728.1, residues 2583-2603): SSVVPVTVTV[Leu2593Val]DVNDNPPVFT

ClinVar aggregate classification (germline): Uncertain significance (1 of 4 stars; one submission).

gnomAD v4.1: 1 of 1,609,800 alleles (0.000062%); highest among the groups gnomAD compares: Non-Finnish European, 0.000085%; no homozygotes.

Submission:

Labcorp Genetics (formerly Invitae), Labcorp
Classification: Uncertain significance. Last evaluated: 2025-05-21. Review status: criteria provided, single submitter. Criteria: Invitae Variant Classification Sherloc (09022015). Collection method: clinical testing. Allele origin: germline.
Comment: This sequence change replaces leucine, which is neutral and non-polar, with valine, which is neutral and non-polar, at codon 2593 of the DCHS1 protein (p.Leu2593Val). This variant is not present in population databases (gnomAD no frequency). This variant has not been reported in the literature in individuals affected with DCHS1-related conditions. ClinVar contains an entry for this variant (Variation ID: 2069640). Invitae Evidence Modeling of protein sequence and biophysical properties (such as structural, functional, and spatial information, amino acid conservation, physicochemical variation, residue mobility, and thermodynamic stability) indicates that this missense variant is not expected to disrupt DCHS1 protein function with a negative predictive value of 80%. In summary, the available evidence is currently insufficient to determine the role of this variant in disease. Therefore, it has been classified as a Variant of Uncertain Significance.